The following is an entry in ClinVar:

NM_001127222.2(CACNA1A):c.2582_2599del (p.Gln861_Asp866del)

Gene: CACNA1A (calcium voltage-gated channel subunit alpha1 A; minus strand). Cytogenetic location: 19p13.13.
Variant type: Deletion.
Coding change: c.2582_2599del on transcript NM_001127222.2 (MANE Select); coding-DNA positions 2582 to 2599, 18 bases deleted (AGGCCCGCTACCACGATC).
Protein change: p.Gln861_Asp866del.
Molecular consequence: inframe deletion.
Genome position (GRCh38, 1-based): chr19:13,299,034-13,299,051, GATCGTGGTAGCGGGCCT deleted on the plus strand (AGGCCCGCTACCACGATC on the coding strand, the reverse complement: CACNA1A is on the minus strand); deleting any 18 consecutive bases within chr19:13,299,034-13,299,052 gives the same sequence; the c. name uses the placement nearest the transcript's 3' end. VCF-style (leftmost placement, unchanged base first): chr19-13299033-CGATCGTGGTAGCGGGCCT-C. GRCh37 (hg19) VCF-style: chr19-13409847-CGATCGTGGTAGCGGGCCT-C.
Other names: c.2594_2611del, p.Gln865_Asp870del (NM_000068.4, NM_023035.3); c.2585_2602del, p.Gln862_Asp867del (NM_001127221.2, NM_001174080.2); c.2585_2602delAGGCCCGCTACCACGATC (NM_001127221.1); c.2585_2602del18 (NM_001127221.1); c.2582_2599del18 (NM_001127222.1).
Identifiers: ClinVar variation 374437 (VCV000374437.52), dbSNP rs767951499, ClinGen allele CA9240523.

ClinVar aggregate classification (germline): Uncertain significance. Review status: criteria provided, multiple submitters, no conflicts (2 of 4 stars). 6 submissions from 6 submitters: Uncertain significance (5). 1 of the submissions does not count toward it. Last evaluated 2026-09-02.

Conditions:
Inborn genetic diseases. Identifiers: MedGen C0950123, MeSH D030342.
Developmental and epileptic encephalopathy, 42 (DEE42A). Also called: DEVELOPMENTAL AND EPILEPTIC ENCEPHALOPATHY 42A; EPILEPTIC ENCEPHALOPATHY, EARLY INFANTILE, 42A; Epileptic encephalopathy, early infantile, 42. Identifiers: MedGen C4310716, MONDO:0014917, OMIM 617106.
Episodic ataxia type 2 (EA2). Also called: ACETAZOLAMIDE-RESPONSIVE HEREDITARY PAROXYSMAL CEREBELLAR ATAXIA; ATAXIA, EPISODIC, WITH NYSTAGMUS; ATAXIA, FAMILIAL PAROXYSMAL; CEREBELLAR ATAXIA, PAROXYSMAL, ACETAZOLAMIDE-RESPONSIVE; CEREBELLOPATHY, HEREDITARY PAROXYSMAL; EPISODIC ATAXIA, NYSTAGMUS-ASSOCIATED. Identifiers: Orphanet 97, MedGen C1720416, MONDO:0007163, OMIM 108500.
Subependymal giant-cell astrocytoma (SEGA). Identifiers: Orphanet 251618, MedGen C0205768, MONDO:0016693, HP:0009718.
CACNA1A-related disorder. Also called: CACNA1A-related condition.

Submissions (6):

Ambry Genetics
Classification: Uncertain significance for Inborn genetic diseases. Last evaluated: 2026-09-02. Review status: criteria provided, single submitter. Criteria: Ambry Variant Classification Scheme 2023. Collection method: clinical testing. Allele origin: germline.
Comment: The c.2585_2602del18 (p.Q862_D867del) variant, located in exon 19 (coding exon 19) of the CACNA1C gene, results from an in-frame deletion of 18 nucleotides at positions c.2585 to c.2602. This results in the deletion of 6 amino acids between codons 862 and 867. This variant was not reported in population-based cohorts in the Genome Aggregation Database (gnomAD). This amino acid position is not well conserved in available vertebrate species. This variant is predicted to be deleterious by in silico analysis (Choi, 2012). Based on insufficient or conflicting evidence, the clinical significance of this alteration remains unclear.

Labcorp Genetics (formerly Invitae), Labcorp
Classification: Uncertain significance for Developmental and epileptic encephalopathy, 42; Episodic ataxia type 2. Last evaluated: 2025-11-27. Review status: criteria provided, single submitter. Criteria: Invitae Variant Classification Sherloc (09022015). Collection method: clinical testing. Allele origin: germline.
Comment: This variant, c.2585_2602del, results in the deletion of 6 amino acid(s) of the CACNA1A protein (p.Gln862_Asp867del), but otherwise preserves the integrity of the reading frame. This variant is present in population databases (rs767951499, gnomAD 0.008%). This variant has not been reported in the literature in individuals affected with CACNA1A-related conditions. ClinVar contains an entry for this variant (Variation ID: 374437). Experimental studies and prediction algorithms are not available or were not evaluated, and the functional significance of this variant is currently unknown. In summary, the available evidence is currently insufficient to determine the role of this variant in disease. Therefore, it has been classified as a Variant of Uncertain Significance.

PreventionGenetics, part of Exact Sciences
Classification: Uncertain significance for CACNA1A-related condition. Last evaluated: 2025-10-07. Review status: criteria provided, single submitter. Criteria: ACMG Guidelines, 2015. Collection method: clinical testing. Allele origin: germline.
Comment: The CACNA1A c.2582_2599del18 variant is predicted to result in an in-frame deletion (p.Gln861_Asp866del). To our knowledge, this variant has not been reported in the literature. This variant is reported in 0.0080% of alleles in individuals of European (non-Finnish) descent in gnomAD. At this time, the clinical significance of this variant is uncertain due to the absence of conclusive functional and genetic evidence.

CeGaT Center for Human Genetics Tuebingen
Classification: Uncertain significance. Last evaluated: 2020-11-01. Review status: criteria provided, single submitter. Criteria: CeGaT Center For Human Genetics Tuebingen Variant Classification Criteria Version 2. Collection method: clinical testing. Allele origin: germline. Affected: yes. Observed: 3 variant alleles.

GeneDx
Classification: Uncertain significance. Last evaluated: 2019-05-17. Review status: criteria provided, single submitter. Criteria: GeneDx Variant Classification Process June 2021. Collection method: clinical testing. Allele origin: germline. Affected: yes.
Comment: In-frame deletion of 6 amino acids in a non-repeat region; In silico analysis, which includes protein predictors and evolutionary conservation, supports a deleterious effect; Has not been previously published as pathogenic or benign to our knowledge

Clinical Molecular Genetics Laboratory, Johns Hopkins All Children's Hospital
Classification: Uncertain significance for Subependymal giant-cell astrocytoma. Last evaluated: 2016-09-01. Review status: no assertion criteria provided. Collection method: clinical testing. Allele origin: germline. Affected: yes. Not counted in ClinVar's aggregate classification.